The following is an entry in ClinVar:

NM_001365536.1(SCN9A):c.3014C>A (p.Thr1005Asn)

Genes: SCN1A-AS1 (SCN1A and SCN9A antisense RNA 1; plus strand), SCN9A (sodium voltage-gated channel alpha subunit 9; minus strand). Cytogenetic location: 2q24.3.
Variant type: single nucleotide variant.
Coding change: c.3014C>A on transcript NM_001365536.1 (MANE Select); coding-DNA position 3014, C replaced by A.
Protein change: p.Thr1005Asn; replaces threonine 1005 with asparagine.
Molecular consequence: missense variant.
Genome position (GRCh38, 1-based): chr2:166,272,736, G>T on the plus strand (C>A on the coding strand, the complement: SCN9A is on the minus strand). VCF-style: chr2-166272736-G-T. GRCh37 (hg19) VCF-style: chr2-167129246-G-T.
Other names: p.Thr994Asn; c.2981C>A, p.Thr994Asn (NM_002977.4); short protein forms T994N, T1005N.
Identifiers: ClinVar variation 855256 (VCV000855256.30), dbSNP rs200155076, ClinGen allele CA59791754.

ClinVar aggregate classification (germline): Uncertain significance. Review status: criteria provided, multiple submitters, no conflicts (2 of 4 stars). 4 submissions from 4 submitters: Uncertain significance (4). Last evaluated 2025-12-04.

Conditions:
Neuropathy, hereditary sensory and autonomic, type 2A (HSAN2A). Also called: ACROOSTEOLYSIS, GIACCAI TYPE; ACROOSTEOLYSIS, NEUROGENIC; HSAN IIA; MORVAN DISEASE; NEUROPATHY, CONGENITAL SENSORY; NEUROPATHY, HEREDITARY SENSORY RADICULAR, AUTOSOMAL RECESSIVE. Identifiers: Orphanet 970, MedGen C2752089, MONDO:0024309, OMIM 201300.
Generalized epilepsy with febrile seizures plus, type 7 (GEFSP7). Also called: GEFS+, TYPE 7. Identifiers: Orphanet 36387, MedGen C2751778, MONDO:0013470, OMIM 613863.
Inborn genetic diseases. Identifiers: MedGen C0950123, MeSH D030342.

Allele frequency attached by ClinVar (database versions not stated): TOPMed 0.00001; gnomAD exomes 0.00003.
gnomAD v4.1: 53 of 1,575,834 alleles (0.0034%); highest among the groups gnomAD compares: Non-Finnish European, 0.004%; no homozygotes.

Submissions (4):

Mayo Clinic Laboratories, Mayo Clinic
Classification: Uncertain significance. Last evaluated: 2025-12-04. Review status: criteria provided, single submitter. Criteria: ACMG Guidelines, 2015. Collection method: clinical testing. Allele origin: germline. Observed: 1 variant allele.
Comment: BP4, PM2_supporting

Labcorp Genetics (formerly Invitae), Labcorp
Classification: Uncertain significance for Neuropathy, hereditary sensory and autonomic, type 2A; Generalized epilepsy with febrile seizures plus, type 7. Last evaluated: 2025-06-27. Review status: criteria provided, single submitter. Criteria: Invitae Variant Classification Sherloc (09022015). Collection method: clinical testing. Allele origin: germline.
Comment: This sequence change replaces threonine, which is neutral and polar, with asparagine, which is neutral and polar, at codon 994 of the SCN9A protein (p.Thr994Asn). This variant is not present in population databases (gnomAD no frequency). This variant has not been reported in the literature in individuals affected with SCN9A-related conditions. ClinVar contains an entry for this variant (Variation ID: 855256). Invitae Evidence Modeling of protein sequence and biophysical properties (such as structural, functional, and spatial information, amino acid conservation, physicochemical variation, residue mobility, and thermodynamic stability) indicates that this missense variant is not expected to disrupt SCN9A protein function with a negative predictive value of 95%. In summary, the available evidence is currently insufficient to determine the role of this variant in disease. Therefore, it has been classified as a Variant of Uncertain Significance.

Ambry Genetics
Classification: Uncertain significance for Inborn genetic diseases. Last evaluated: 2024-11-23. Review status: criteria provided, single submitter. Criteria: Ambry Variant Classification Scheme 2023. Collection method: clinical testing. Allele origin: germline.
Comment: The c.2981C>A (p.T994N) alteration is located in exon 17 (coding exon 16) of the SCN9A gene. This alteration results from a C to A substitution at nucleotide position 2981, causing the threonine (T) at amino acid position 994 to be replaced by an asparagine (N). The alteration is rare in population databases: Based on data from the Genome Aggregation Database (gnomAD), the c.2981C>A alteration was observed in 0.00045% (1/219744) of total alleles studied. This amino acid position is not well conserved in available vertebrate species. The alteration is predicted tolerated by in silico modeling: The p.T994N alteration is predicted to be tolerated by in silico analysis. Based on insufficient or conflicting evidence, the clinical significance of this alteration remains unclear.

CeGaT Center for Human Genetics Tuebingen
Classification: Uncertain significance. Last evaluated: 2024-07-01. Review status: criteria provided, single submitter. Criteria: CeGaT Center For Human Genetics Tuebingen Variant Classification Criteria Version 2. Collection method: clinical testing. Allele origin: germline. Affected: yes. Observed: 1 variant allele.
Comment: SCN9A: PM2, BP4